The following is an entry in ClinVar:

ClinVar aggregate classification (germline): Uncertain significance. Review status: criteria provided, multiple submitters, no conflicts (2 of 4 stars). 8 submissions from 8 submitters: Uncertain significance (8). Last evaluated 2025-11-25.

Conditions:
Cardiomyopathy (CMYO). Also called: Cardiomyopathies. Identifiers: Orphanet 167848, MedGen C0878544, MONDO:0004994, HP:0001638. Inheritance: Various modes of inheritance.
Dilated cardiomyopathy 1BB (CMD1BB). Also called: CARDIOMYOPATHY, DILATED, 1BB, SUSCEPTIBILITY TO. Identifiers: Orphanet 154, MedGen C2752072, MONDO:0013030, OMIM 612877.
Arrhythmogenic right ventricular dysplasia 10. Also called: Arrhythmogenic right ventricular dysplasia/cardiomyopathy, type 10; Arrhythmogenic Right Ventricular Dysplasia/Cardiomyopathy10; ARRHYTHMOGENIC RIGHT VENTRICULAR DYSPLASIA, FAMILIAL, 10. Identifiers: MedGen C1857777, MONDO:0012434, OMIM 610193.
Cardiovascular phenotype. Identifiers: MedGen CN230736.
Arrhythmogenic right ventricular cardiomyopathy (ARVD). Also called: Arrhythmogenic Right Ventricular Cardiomyopathy (ARVC); Arrhythmogenic right ventricular dysplasia; Cardiomyopathy, ARVC; Arrhythmogenic cardiomyopathy. Identifiers: Orphanet 247, MedGen C0349788, MeSH D019571, MONDO:0016587. Disease mechanism: loss of function. Inheritance: Various modes of inheritance.

Allele frequency attached by ClinVar (database versions not stated): gnomAD 0.00002 and 0.00003; TOPMed 0.00003; 1000 Genomes Project 30x 0.00016; 1000 Genomes Project 0.00020.
gnomAD v4.1: 38 of 1,613,666 alleles (0.0024%); highest among the groups gnomAD compares: East Asian, 0.049%; no homozygotes.

Submissions (8):

Ambry Genetics
Classification: Uncertain significance for Cardiovascular phenotype. Last evaluated: 2025-11-25. Review status: criteria provided, single submitter. Criteria: Ambry Variant Classification Scheme 2023. Collection method: clinical testing. Allele origin: germline.
Comment: The c.356G>A (p.R119Q) alteration is located in exon 4 (coding exon 4) of the DSG2 gene. This alteration results from a G to A substitution at nucleotide position 356, causing the arginine (R) at amino acid position 119 to be replaced by a glutamine (Q). Based on data from gnomAD, the A allele has an overall frequency of 0.003% (8/248468) total alleles studied. The highest observed frequency was 0.022% (4/17962) of East Asian alleles. Based on insufficient or conflicting evidence, the clinical significance of this alteration remains unclear.

Labcorp Genetics (formerly Invitae), Labcorp
Classification: Uncertain significance for Arrhythmogenic right ventricular dysplasia 10. Last evaluated: 2025-10-13. Review status: criteria provided, single submitter. Criteria: Invitae Variant Classification Sherloc (09022015). Collection method: clinical testing. Allele origin: germline.
Comment: This sequence change replaces arginine, which is basic and polar, with glutamine, which is neutral and polar, at codon 119 of the DSG2 protein (p.Arg119Gln). This variant is present in population databases (rs532305326, gnomAD 0.02%). This missense change has been observed in individual(s) with dilated cardiomyopathy (DCM) (PMID: 28416588). ClinVar contains an entry for this variant (Variation ID: 466341). Invitae Evidence Modeling of protein sequence and biophysical properties (such as structural, functional, and spatial information, amino acid conservation, physicochemical variation, residue mobility, and thermodynamic stability) has been performed for this missense variant. However, the output from this modeling did not meet the statistical confidence thresholds required to predict the impact of this variant on DSG2 protein function. In summary, the available evidence is currently insufficient to determine the role of this variant in disease. Therefore, it has been classified as a Variant of Uncertain Significance.

Color Diagnostics, LLC DBA Color Health
Classification: Uncertain significance for Cardiomyopathy. Last evaluated: 2025-06-09. Review status: criteria provided, single submitter. Criteria: ACMG Guidelines, 2015. Collection method: clinical testing. Allele origin: germline.
Comment: This missense variant replaces arginine with glutamine at codon 119 of the DSG2 protein. Computational prediction is inconclusive regarding the impact of this variant on protein structure and function. To our knowledge, functional studies have not been reported for this variant. This variant has been reported in an individual affected with dilated cardiomyopathy (PMID: 28416588). This variant has been identified in 8/248468 chromosomes in the general population by the Genome Aggregation Database (gnomAD). The available evidence is insufficient to determine the role of this variant in disease conclusively. Therefore, this variant is classified as a Variant of Uncertain Significance.

Molecular Diagnostic Laboratory for Inherited Cardiovascular Disease, Montreal Heart Institute
Classification: Uncertain significance for Cardiovascular phenotype. Last evaluated: 2025-04-09. Review status: criteria provided, single submitter. Criteria: ACMG Guidelines, 2015. Collection method: clinical testing. Allele origin: germline. Affected: yes.

All of Us Research Program, National Institutes of Health
Classification: Uncertain significance for Arrhythmogenic right ventricular cardiomyopathy. Last evaluated: 2023-10-06. Review status: criteria provided, single submitter. Criteria: ACMG Guidelines, 2015. Collection method: clinical testing. Allele origin: germline. Inheritance: Autosomal dominant inheritance. Observed: 6 variant alleles, 6 heterozygotes.
Comment: This missense variant replaces arginine with glutamine at codon 119 of the DSG2 protein. Computational prediction is inconclusive regarding the impact of this variant on protein structure and function (internally defined REVEL score threshold 0.5 < inconclusive < 0.7, PMID: 27666373). To our knowledge, functional studies have not been reported for this variant. This variant has been reported in an individual affected with dilated cardiomyopathy (PMID: 28416588). This variant has been identified in 8/248468 chromosomes in the general population by the Genome Aggregation Database (gnomAD). The available evidence is insufficient to determine the role of this variant in disease conclusively. Therefore, this variant is classified as a Variant of Uncertain Significance.

This study involves interpretation of variants in research participants for the purpose of population health screening. Participant phenotype was not available at the time of variant classification. Additional details can be found in publication PMID: 35346344, PMCID: PMC8962531

Blueprint Genetics
Classification: Uncertain significance. Last evaluated: 2022-06-07. Review status: criteria provided, single submitter. Criteria: ACMG Guidelines, 2015. Collection method: clinical testing. Allele origin: germline.

Department of Pathology and Laboratory Medicine, Sinai Health System
Classification: Uncertain significance for Arrhythmogenic right ventricular dysplasia 10; Dilated cardiomyopathy 1BB. Last evaluated: 2021-10-15. Review status: criteria provided, single submitter. Criteria: ACMG Guidelines, 2015. Collection method: research. Allele origin: germline.

Illumina Laboratory Services, Illumina
Classification: Uncertain significance for Arrhythmogenic right ventricular dysplasia 10. Last evaluated: 2018-01-12. Review status: criteria provided, single submitter. Criteria: ICSL Variant Classification Criteria 13 December 2019. Collection method: clinical testing. Allele origin: germline.

Literature cited by the submitters: PubMed 28416588 (cited by 3 submitters).

NM_001943.5(DSG2):c.356G>A (p.Arg119Gln)

Gene: DSG2 (desmoglein 2; plus strand). Cytogenetic location: 18q12.1.
Variant type: single nucleotide variant.
Coding change: c.356G>A on transcript NM_001943.5 (MANE Select); coding-DNA position 356, G replaced by A.
Protein change: p.Arg119Gln; replaces arginine 119 with glutamine.
Molecular consequence: missense variant.
Genome position (GRCh38, 1-based): chr18:31,520,942, G>A. VCF-style: chr18-31520942-G-A. GRCh37 (hg19) VCF-style: chr18-29100905-G-A.
Other names: c.356G>A (LRG_397t1); short protein forms R119Q.
Identifiers: ClinVar variation 466341 (VCV000466341.23), dbSNP rs532305326, ClinGen allele CA048433.
Genomic context (GRCh38, chr18:31,520,942, plus strand): 5'-TTGGTATATTTGTCTTTAACAAAGATACTGGAGAACTGAATGTTACCAGCATTCTTGATC[G>A]AGAAGAAACACCATTTTTTCTGGTAAGAAGAATAATTTTAGATTTATTAGTTTGTAGTTT-3'
Protein context (NP_001934.2, residues 109-129): GELNVTSILD[Arg119Gln]EETPFFLLTG